The following is an entry in ClinVar:

ClinVar aggregate classification (germline): Pathogenic (1 of 4 stars; one submission).

Submission:

Labcorp Genetics (formerly Invitae), Labcorp
Classification: Pathogenic. Last evaluated: 2022-10-04. Review status: criteria provided, single submitter. Criteria: Invitae Variant Classification Sherloc (09022015). Collection method: clinical testing. Allele origin: germline.
Comment: For these reasons, this variant has been classified as Pathogenic. Algorithms developed to predict the effect of sequence changes on RNA splicing suggest that this variant may disrupt the consensus splice site. Disruption of this splice site has been observed in individual(s) with ARSG-related conditions (Invitae). This variant is not present in population databases (gnomAD no frequency). This sequence change affects a donor splice site in intron 4 of the ARSG gene. It is expected to disrupt RNA splicing. Variants that disrupt the donor or acceptor splice site typically lead to a loss of protein function (PMID: 16199547), and loss-of-function variants in ARSG are known to be pathogenic (PMID: 26975023, 34223797).

Literature cited by the submitters: PubMed 16199547; PubMed 26975023; PubMed 34223797.

NM_001267727.2(ARSG):c.454+1G>A

Gene: ARSG (arylsulfatase G; plus strand). Cytogenetic location: 17q24.2.
Variant type: single nucleotide variant.
Coding change: c.454+1G>A on transcript NM_001267727.2 (MANE Select); the canonical splice donor site of the intron after coding-DNA position 454, G replaced by A.
Molecular consequence: splice donor variant. On other transcripts: intron variant (1).
Genome position (GRCh38, 1-based): chr17:68,347,173, G>A. VCF-style: chr17-68347173-G-A. GRCh37 (hg19) VCF-style: chr17-66343314-G-A.
Other names: c.454+1G>A (NM_001352904.2, NM_014960.5, NM_001352903.2 and 8 more transcripts); c.406+3382G>A (NM_001352909.2).
Identifiers: ClinVar variation 2112819 (VCV002112819.4), dbSNP rs2146309254, ClinGen allele CA400739879.